The following is an entry in ClinVar:

ClinVar aggregate classification (germline): Uncertain significance. Review status: criteria provided, multiple submitters, no conflicts (2 of 4 stars). 2 submissions from 2 submitters: Uncertain significance (2). Last evaluated 2024-06-10.

Conditions:
Inborn genetic diseases. Identifiers: MedGen C0950123, MeSH D030342.

Allele frequency attached by ClinVar (database versions not stated): gnomAD exomes below 0.00001; TOPMed 0.00002.
gnomAD v4.1: 2 of 1,614,172 alleles (0.00012%); highest among the groups gnomAD compares: Admixed American, 0.0033%; no homozygotes.

Submissions (2):

Ambry Genetics
Classification: Uncertain significance for Inborn genetic diseases. Last evaluated: 2024-06-10. Review status: criteria provided, single submitter. Criteria: Ambry Variant Classification Scheme 2023. Collection method: clinical testing. Allele origin: germline.

Labcorp Genetics (formerly Invitae), Labcorp
Classification: Uncertain significance. Last evaluated: 2023-08-04. Review status: criteria provided, single submitter. Criteria: Invitae Variant Classification Sherloc (09022015). Collection method: clinical testing. Allele origin: germline.
Comment: This sequence change replaces cysteine, which is neutral and slightly polar, with serine, which is neutral and polar, at codon 1559 of the MYO5B protein (p.Cys1559Ser). This variant is present in population databases (no rsID available, gnomAD 0.003%). This variant has not been reported in the literature in individuals affected with MYO5B-related conditions. ClinVar contains an entry for this variant (Variation ID: 1378260). Advanced modeling of protein sequence and biophysical properties (such as structural, functional, and spatial information, amino acid conservation, physicochemical variation, residue mobility, and thermodynamic stability) performed at Invitae indicates that this missense variant is not expected to disrupt MYO5B protein function. In summary, the available evidence is currently insufficient to determine the role of this variant in disease. Therefore, it has been classified as a Variant of Uncertain Significance.

NM_001080467.3(MYO5B):c.4676G>C (p.Cys1559Ser)

Genes: MYO5B (myosin VB; minus strand), SNHG22 (small nucleolar RNA host gene 22; plus strand). Cytogenetic location: 18q21.1.
Variant type: single nucleotide variant.
Coding change: c.4676G>C on transcript NM_001080467.3 (MANE Select); coding-DNA position 4676, G replaced by C.
Protein change: p.Cys1559Ser; replaces cysteine 1559 with serine.
Molecular consequence: missense variant.
Genome position (GRCh38, 1-based): chr18:49,841,390, C>G on the plus strand (G>C on the coding strand, the complement: MYO5B is on the minus strand). VCF-style: chr18-49841390-C-G. GRCh37 (hg19) VCF-style: chr18-47367760-C-G.
Other names: c.4676G>C (NM_001080467.2); short protein forms C1559S.
Identifiers: ClinVar variation 1378260 (VCV001378260.9), dbSNP rs1267776571, ClinGen allele CA402424695.